The following is an entry in ClinVar:

NM_005477.3(HCN4):c.655G>T (p.Gly219Trp)

Gene: HCN4 (hyperpolarization activated cyclic nucleotide gated potassium channel 4; minus strand). Cytogenetic location: 15q24.1.
Variant type: single nucleotide variant.
Coding change: c.655G>T on transcript NM_005477.3 (MANE Select); coding-DNA position 655, G replaced by T.
Protein change: p.Gly219Trp; replaces glycine 219 with tryptophan.
Molecular consequence: missense variant.
Genome position (GRCh38, 1-based): chr15:73,367,616, C>A on the plus strand (G>T on the coding strand, the complement: HCN4 is on the minus strand). VCF-style: chr15-73367616-C-A. GRCh37 (hg19) VCF-style: chr15-73659957-C-A.
Other names: short protein forms G219W.
Identifiers: ClinVar variation 4742030 (VCV004742030.1).

ClinVar aggregate classification (germline): Uncertain significance (1 of 4 stars; one submission).

Conditions:
Brugada syndrome 8 (BRGDA8). Identifiers: Orphanet 130, MedGen C2751083, MONDO:0013148, OMIM 613123.

Submission:

Labcorp Genetics (formerly Invitae), Labcorp
Classification: Uncertain significance for Brugada syndrome 8. Last evaluated: 2025-12-21. Review status: criteria provided, single submitter. Criteria: Invitae Variant Classification Sherloc (09022015). Collection method: clinical testing. Allele origin: germline.
Comment: This sequence change replaces glycine, which is neutral and non-polar, with tryptophan, which is neutral and slightly polar, at codon 219 of the HCN4 protein (p.Gly219Trp). This variant is not present in population databases (gnomAD no frequency). This variant has not been reported in the literature in individuals affected with HCN4-related conditions. Invitae Evidence Modeling of protein sequence and biophysical properties (such as structural, functional, and spatial information, amino acid conservation, physicochemical variation, residue mobility, and thermodynamic stability) has been performed for this missense variant. However, the output from this modeling did not meet the statistical confidence thresholds required to predict the impact of this variant on HCN4 protein function. In summary, the available evidence is currently insufficient to determine the role of this variant in disease. Therefore, it has been classified as a Variant of Uncertain Significance.